The following is an entry in ClinVar:

NM_001710.6(CFB):c.869A>T (p.Lys290Ile)

Gene: CFB (complement factor B; plus strand). Cytogenetic location: 6p21.33.
Variant type: single nucleotide variant.
Coding change: c.869A>T on transcript NM_001710.6 (MANE Select); coding-DNA position 869, A replaced by T.
Protein change: p.Lys290Ile; replaces lysine 290 with isoleucine.
Molecular consequence: missense variant.
Genome position (GRCh38, 1-based): chr6:31,948,053, A>T. VCF-style: chr6-31948053-A-T. GRCh37 (hg19) VCF-style: chr6-31915830-A-T.
Other names: short protein forms K290I.
Identifiers: ClinVar variation 2090334 (VCV002090334.4), dbSNP rs1157918051, ClinGen allele CA363396336.

ClinVar aggregate classification (germline): Uncertain significance (1 of 4 stars; one submission).

Allele frequency attached by ClinVar (database versions not stated): gnomAD exomes below 0.00001.
gnomAD v4.1: 1 of 1,614,188 alleles (0.000062%); highest among the groups gnomAD compares: Non-Finnish European, 0.000085%; no homozygotes.

Submission:

Labcorp Genetics (formerly Invitae), Labcorp
Classification: Uncertain significance. Last evaluated: 2023-08-10. Review status: criteria provided, single submitter. Criteria: Invitae Variant Classification Sherloc (09022015). Collection method: clinical testing. Allele origin: germline.
Comment: In summary, the available evidence is currently insufficient to determine the role of this variant in disease. Therefore, it has been classified as a Variant of Uncertain Significance. Advanced modeling of protein sequence and biophysical properties (such as structural, functional, and spatial information, amino acid conservation, physicochemical variation, residue mobility, and thermodynamic stability) performed at Invitae indicates that this missense variant is not expected to disrupt CFB protein function. ClinVar contains an entry for this variant (Variation ID: 2090334). This variant has not been reported in the literature in individuals affected with CFB-related conditions. This variant is not present in population databases (gnomAD no frequency). This sequence change replaces lysine, which is basic and polar, with isoleucine, which is neutral and non-polar, at codon 290 of the CFB protein (p.Lys290Ile).